The following is an entry in ClinVar:

NM_001369369.1(FOXN1):c.573T>C (p.His191=)

Gene: FOXN1 (forkhead box N1; plus strand). Cytogenetic location: 17q11.2.
Variant type: single nucleotide variant.
Coding change: c.573T>C on transcript NM_001369369.1 (MANE Select); coding-DNA position 573, T replaced by C.
Protein change: p.His191=; no amino-acid change (histidine 191 retained).
Molecular consequence: synonymous variant.
Genome position (GRCh38, 1-based): chr17:28,524,952, T>C. VCF-style: chr17-28524952-T-C. GRCh37 (hg19) VCF-style: chr17-26851970-T-C.
Other names: c.573T>C, p.His191= (NM_003593.3).
Identifiers: ClinVar variation 392577 (VCV000392577.11), dbSNP rs140345611, ClinGen allele CA8459260.

ClinVar aggregate classification (germline): Likely benign. Review status: criteria provided, multiple submitters, no conflicts (2 of 4 stars). 4 submissions from 4 submitters: Likely benign (3). 1 of the submissions does not count toward it. Last evaluated 2026-01-21.

Conditions:
FOXN1-related disorder. Also called: FOXN1-related condition.
T-cell immunodeficiency, congenital alopecia, and nail dystrophy. Also called: Congenital alopecia and nail dystrophy associated with severe functional T-cell immunodeficiency; Pignata Guarino syndrome. Identifiers: Orphanet 169095, MedGen C1866426, MONDO:0011132, OMIM 601705.

Allele frequency attached by ClinVar (database versions not stated): ExAC 0.00008; gnomAD 0.00014; gnomAD exomes 0.00015 and 0.00032; TOPMed 0.00018; ESP Exome Variant Server 0.00023.
gnomAD v4.1: 486 of 1,610,426 alleles (0.03%); highest among the groups gnomAD compares: Non-Finnish European, 0.038%; no homozygotes.

Submissions (4):

Labcorp Genetics (formerly Invitae), Labcorp
Classification: Likely benign for T-cell immunodeficiency, congenital alopecia, and nail dystrophy. Last evaluated: 2026-01-21. Review status: criteria provided, single submitter. Criteria: Invitae Variant Classification Sherloc (09022015). Collection method: clinical testing. Allele origin: germline.

Blueprint Genetics
Classification: Likely benign. Last evaluated: 2024-09-02. Review status: criteria provided, single submitter. Criteria: ACMG Guidelines, 2015. Collection method: clinical testing. Allele origin: germline.

GeneDx
Classification: Likely benign. Last evaluated: 2017-12-08. Review status: criteria provided, single submitter. Criteria: GeneDx Variant Classification (06012015). Collection method: clinical testing. Allele origin: germline. Affected: yes.
Comment: This variant is considered likely benign or benign based on one or more of the following criteria: it is a conservative change, it occurs at a poorly conserved position in the protein, it is predicted to be benign by multiple in silico algorithms, and/or has population frequency not consistent with disease.

PreventionGenetics, part of Exact Sciences
Classification: Likely benign for FOXN1-related condition. Last evaluated: 2020-05-11. Review status: no assertion criteria provided. Collection method: clinical testing. Allele origin: germline. Not counted in ClinVar's aggregate classification.
Comment: This variant is classified as likely benign based on ACMG/AMP sequence variant interpretation guidelines (Richards et al. 2015 PMID: 25741868, with internal and published modifications).